The following is an entry in ClinVar:

ClinVar aggregate classification (germline): Uncertain significance. Review status: criteria provided, multiple submitters, no conflicts (2 of 4 stars). 2 submissions from 2 submitters: Uncertain significance (2). Last evaluated 2022-08-10.

Conditions:
Inborn genetic diseases. Identifiers: MedGen C0950123, MeSH D030342.

Allele frequency attached by ClinVar (database versions not stated): ExAC 0.00005; gnomAD 0.00001; gnomAD exomes 0.00001; TOPMed 0.00001.
gnomAD v4.1: 4 of 1,549,652 alleles (0.00026%); highest among the groups gnomAD compares: African/African-American, 0.0027%; no homozygotes.

Submissions (2):

Labcorp Genetics (formerly Invitae), Labcorp
Classification: Uncertain significance. Last evaluated: 2022-08-10. Review status: criteria provided, single submitter. Criteria: Invitae Variant Classification Sherloc (09022015). Collection method: clinical testing. Allele origin: germline.
Comment: Algorithms developed to predict the effect of sequence changes on RNA splicing suggest that this variant may disrupt the consensus splice site. Algorithms developed to predict the effect of missense changes on protein structure and function are either unavailable or do not agree on the potential impact of this missense change (SIFT: "Not Available"; PolyPhen-2: "Benign"; Align-GVGD: "Not Available"). This variant has not been reported in the literature in individuals affected with TANGO2-related conditions. This variant is present in population databases (rs780495808, gnomAD 0.04%). This sequence change replaces glutamic acid, which is acidic and polar, with lysine, which is basic and polar, at codon 201 of the TANGO2 protein (p.Glu201Lys). In summary, the available evidence is currently insufficient to determine the role of this variant in disease. Therefore, it has been classified as a Variant of Uncertain Significance.

Ambry Genetics
Classification: Uncertain significance for Inborn genetic diseases. Last evaluated: 2022-04-13. Review status: criteria provided, single submitter. Criteria: Ambry Variant Classification Scheme 2023. Collection method: clinical testing. Allele origin: germline.

NM_152906.7(TANGO2):c.601G>A (p.Glu201Lys)

Gene: TANGO2 (transport and golgi organization 2 homolog; plus strand). Cytogenetic location: 22q11.21.
Variant type: single nucleotide variant.
Coding change: c.601G>A on transcript NM_152906.7 (MANE Select); coding-DNA position 601, G replaced by A.
Protein change: p.Glu201Lys; replaces glutamic acid 201 with lysine.
Molecular consequence: missense variant. On other transcripts: non-coding transcript variant (3), intron variant (4).
Genome position (GRCh38, 1-based): chr22:20,061,679, G>A. VCF-style: chr22-20061679-G-A. GRCh37 (hg19) VCF-style: chr22-20049202-G-A.
Other names: c.601G>A, p.Glu201Lys (NM_001283106.3, NM_001283116.3, NM_001283148.3 and 2 more transcripts); c.724G>A, p.Glu242Lys (NM_001283129.3, NM_001322141.2, NM_001322143.2 and 1 more transcripts); c.415G>A, p.Glu139Lys (NM_001283179.3, NM_001283186.3, NM_001322163.2 and 3 more transcripts); c.307G>A, p.Glu103Lys (NM_001283235.3, NM_001322150.2, NM_001322153.2 and 6 more transcripts); c.538G>A, p.Glu180Lys (NM_001322145.2, NM_001322147.2); c.499G>A, p.Glu167Lys (NM_001322146.2, NM_001322148.2, NM_001322160.2); c.381-1659G>A (NM_001283199.3); c.575-2863G>A (NM_001283215.3); and 2 more; short protein forms E139K, E201K, E103K, E180K, E242K, E167K.
Identifiers: ClinVar variation 1955757 (VCV001955757.4), dbSNP rs780495808, ClinGen allele CA10106487.